The following is an entry in ClinVar:

NM_012123.4(MTO1):c.94C>T (p.Pro32Ser)

Gene: MTO1 (mitochondrial tRNA translation optimization 1; plus strand). Cytogenetic location: 6q13.
Variant type: single nucleotide variant.
Coding change: c.94C>T on transcript NM_012123.4 (MANE Select); coding-DNA position 94, C replaced by T.
Protein change: p.Pro32Ser; replaces proline 32 with serine.
Molecular consequence: missense variant.
Genome position (GRCh38, 1-based): chr6:73,461,948, C>T. VCF-style: chr6-73461948-C-T. GRCh37 (hg19) VCF-style: chr6-74171671-C-T.
Other names: c.94C>T, p.Pro32Ser (NM_001123226.2, NM_133645.3); c.94C>T (NM_001123226.1); short protein forms P32S.
Identifiers: ClinVar variation 935389 (VCV000935389.5), dbSNP rs372395838, ClinGen allele CA3889220.

ClinVar aggregate classification (germline): Uncertain significance. Review status: criteria provided, multiple submitters, no conflicts (2 of 4 stars). 2 submissions from 2 submitters: Uncertain significance (2). Last evaluated 2024-02-21.

Conditions:
Inborn genetic diseases. Identifiers: MedGen C0950123, MeSH D030342.
Mitochondrial hypertrophic cardiomyopathy with lactic acidosis due to MTO1 deficiency. Also called: CARDIOMYOPATHY, INFANTILE HYPERTROPHIC MITOCHONDRIAL, AND LACTIC ACIDOSIS; Combined oxidative phosphorylation deficiency 10. Identifiers: Orphanet 314637, MedGen C4749921, MONDO:0013865, OMIM 614702.

Allele frequency attached by ClinVar (database versions not stated): ExAC 0.00004; TOPMed 0.00013; gnomAD exomes 0.00003; ESP Exome Variant Server 0.00023.
gnomAD v4.1: 83 of 1,614,140 alleles (0.0051%); highest among the groups gnomAD compares: Non-Finnish European, 0.0062%; no homozygotes.

Submissions (2):

Ambry Genetics
Classification: Uncertain significance for Inborn genetic diseases. Last evaluated: 2024-02-21. Review status: criteria provided, single submitter. Criteria: Ambry Variant Classification Scheme 2023. Collection method: clinical testing. Allele origin: germline.

Labcorp Genetics (formerly Invitae), Labcorp
Classification: Uncertain significance for Mitochondrial hypertrophic cardiomyopathy with lactic acidosis due to MTO1 deficiency. Last evaluated: 2022-08-22. Review status: criteria provided, single submitter. Criteria: Invitae Variant Classification Sherloc (09022015). Collection method: clinical testing. Allele origin: germline.
Comment: This sequence change replaces proline, which is neutral and non-polar, with serine, which is neutral and polar, at codon 32 of the MTO1 protein (p.Pro32Ser). This variant is present in population databases (rs372395838, gnomAD 0.008%). This variant has not been reported in the literature in individuals affected with MTO1-related conditions. ClinVar contains an entry for this variant (Variation ID: 935389). Algorithms developed to predict the effect of missense changes on protein structure and function (SIFT, PolyPhen-2, Align-GVGD) all suggest that this variant is likely to be tolerated. In summary, the available evidence is currently insufficient to determine the role of this variant in disease. Therefore, it has been classified as a Variant of Uncertain Significance.